The following is an entry in ClinVar:

NM_000551.4(VHL):c.40G>C (p.Gly14Arg)

Gene: VHL (von Hippel-Lindau tumor suppressor; plus strand). Cytogenetic location: 3p25.3.
Variant type: single nucleotide variant.
Coding change: c.40G>C on transcript NM_000551.4 (MANE Select); coding-DNA position 40, G replaced by C.
Protein change: p.Gly14Arg; replaces glycine 14 with arginine.
Molecular consequence: missense variant.
Genome position (GRCh38, 1-based): chr3:10,141,887, G>C. VCF-style: chr3-10141887-G-C. GRCh37 (hg19) VCF-style: chr3-10183571-G-C.
Other names: c.40G>C, p.Gly14Arg (NM_001354723.2, NM_198156.3); short protein forms G14R.
Identifiers: ClinVar variation 411969 (VCV000411969.10), dbSNP rs1060503559, ClinGen allele CA16611166.

ClinVar aggregate classification (germline): Uncertain significance. Review status: criteria provided, multiple submitters, no conflicts (2 of 4 stars). 3 submissions from 3 submitters: Uncertain significance (3). Last evaluated 2026-01-05.

Conditions:
Hereditary cancer-predisposing syndrome. Also called: Hereditary neoplastic syndrome; Neoplastic Syndromes, Hereditary; Tumor predisposition; Hereditary Cancer Syndrome. Identifiers: Orphanet 140162, MedGen C0027672, MeSH D009386, MONDO:0015356.
Von Hippel-Lindau syndrome (VHLS). Also called: Von Hippel-Lindau; VHL syndrome; von Hippel–Lindau syndrome. Identifiers: Orphanet 892, MedGen C0019562, MONDO:0008667, OMIM 193300. Disease mechanism: loss of function.
Chuvash polycythemia. Also called: POLYCYTHEMIA, VHL-DEPENDENT. Identifiers: Orphanet 238557, MedGen C1837915, MONDO:0009892, OMIM 263400.
Pheochromocytoma. Also called: MAX-Related Hereditary Paraganglioma-Pheochromocytoma Syndrome. Identifiers: Orphanet 29072, MedGen C0031511, MONDO:0008233, OMIM 171300, HP:0002666.
Nonpapillary renal cell carcinoma. Identifiers: Orphanet 422526, MedGen CN074294, MONDO:0007763, OMIM 144700.

Allele frequency attached by ClinVar (database versions not stated): gnomAD exomes 0.00001.

Submissions (3):

Labcorp Genetics (formerly Invitae), Labcorp
Classification: Uncertain significance for Von Hippel-Lindau syndrome; Chuvash polycythemia. Last evaluated: 2026-01-05. Review status: criteria provided, single submitter. Criteria: Invitae Variant Classification Sherloc (09022015). Collection method: clinical testing. Allele origin: germline.
Comment: This sequence change replaces glycine, which is neutral and non-polar, with arginine, which is basic and polar, at codon 14 of the VHL protein (p.Gly14Arg). The frequency data for this variant in the population databases is considered unreliable, as metrics indicate poor data quality at this position in the gnomAD database. This variant has not been reported in the literature in individuals affected with VHL-related conditions. ClinVar contains an entry for this variant (Variation ID: 411969). Invitae Evidence Modeling of protein sequence and biophysical properties (such as structural, functional, and spatial information, amino acid conservation, physicochemical variation, residue mobility, and thermodynamic stability) has been performed for this missense variant. However, the output from this modeling did not meet the statistical confidence thresholds required to predict the impact of this variant on VHL protein function. In summary, the available evidence is currently insufficient to determine the role of this variant in disease. Therefore, it has been classified as a Variant of Uncertain Significance.

Ambry Genetics
Classification: Uncertain significance for Hereditary cancer-predisposing syndrome. Last evaluated: 2025-08-23. Review status: criteria provided, single submitter. Criteria: Ambry Variant Classification Scheme 2023. Collection method: clinical testing. Allele origin: germline.
Comment: The p.G14R variant (also known as c.40G>C), located in coding exon 1 of the VHL gene, results from a G to C substitution at nucleotide position 40. The glycine at codon 14 is replaced by arginine, an amino acid with dissimilar properties. This amino acid position is well conserved in available vertebrate species. In addition, the in silico prediction for this alteration is inconclusive. Since supporting evidence is limited at this time, the clinical significance of this alteration remains unclear.

Fulgent Genetics
Classification: Uncertain significance for Nonpapillary renal cell carcinoma; Pheochromocytoma; Von Hippel-Lindau syndrome; Chuvash polycythemia. Last evaluated: 2021-12-18. Review status: criteria provided, single submitter. Criteria: ACMG Guidelines, 2015. Collection method: clinical testing. Allele origin: unknown.